The following is an entry in ClinVar:

NM_133433.4(NIPBL):c.6440T>C (p.Val2147Ala)

Gene: NIPBL (NIPBL cohesin loading factor; plus strand). Cytogenetic location: 5p13.2.
Variant type: single nucleotide variant.
Coding change: c.6440T>C on transcript NM_133433.4 (MANE Select); coding-DNA position 6440, T replaced by C.
Protein change: p.Val2147Ala; replaces valine 2147 with alanine.
Molecular consequence: missense variant.
Genome position (GRCh38, 1-based): chr5:37,045,539, T>C. VCF-style: chr5-37045539-T-C. GRCh37 (hg19) VCF-style: chr5-37045641-T-C.
Other names: c.6440T>C, p.Val2147Ala (NM_015384.5); short protein forms V2147A.
Identifiers: ClinVar variation 2503120 (VCV002503120.1), dbSNP rs2478588532, ClinGen allele CA359504596.

ClinVar aggregate classification (germline): Uncertain significance (1 of 4 stars; one submission).

Submission:

GeneDx
Classification: Uncertain significance. Last evaluated: 2022-11-25. Review status: criteria provided, single submitter. Criteria: GeneDx Variant Classification Process June 2021. Collection method: clinical testing. Allele origin: germline. Affected: yes.
Comment: Has not been previously published as pathogenic or benign to our knowledge; Not observed at significant frequency in large population cohorts (gnomAD); In silico analysis supports that this missense variant has a deleterious effect on protein structure/function